The following is an entry in ClinVar:

ClinVar aggregate classification (germline): Pathogenic (1 of 4 stars; one submission).

Conditions:
Cerebral cavernous malformation (CCM). Also called: Cavernous Hemangioma of Brain; CAVERNOUS ANGIOMA, FAMILIAL; CAVERNOUS ANGIOMATOUS MALFORMATIONS; CEREBRAL CAPILLARY MALFORMATIONS; Cerebral cavernous hemangioma (type); Cerebral cavernous malformations. Identifiers: Orphanet 221061, MedGen C2919945, MONDO:0000820, OMIM 116860, HP:0033522.

Submission:

Labcorp Genetics (formerly Invitae), Labcorp
Classification: Pathogenic for Cerebral cavernous malformation. Last evaluated: 2023-05-18. Review status: criteria provided, single submitter. Criteria: Invitae Variant Classification Sherloc (09022015). Collection method: clinical testing. Allele origin: germline.
Comment: For these reasons, this variant has been classified as Pathogenic. Algorithms developed to predict the effect of sequence changes on RNA splicing suggest that this variant may create or strengthen a splice site. This variant has not been reported in the literature in individuals affected with KRIT1-related conditions. This variant is not present in population databases (gnomAD no frequency). This sequence change creates a premature translational stop signal (p.Ser680Lysfs*3) in the KRIT1 gene. It is expected to result in an absent or disrupted protein product. Loss-of-function variants in KRIT1 are known to be pathogenic (PMID: 10508515, 11222804, 12404106, 24689081).

Literature cited by the submitters: PubMed 10508515; PubMed 11222804; PubMed 12404106; PubMed 24689081.

NM_194454.3(KRIT1):c.2038dup (p.Ser680fs)

Gene: KRIT1 (KRIT1 ankyrin repeat containing; minus strand). Cytogenetic location: 7q21.2.
Variant type: Duplication.
Coding change: c.2038dup on transcript NM_194454.3 (MANE Select); coding-DNA position 2038, one base duplicated (A; older notation c.2038dupA).
Protein change: p.Ser680fs; shifts the reading frame from serine 680.
Molecular consequence: frameshift variant.
Genome position (GRCh38, 1-based): chr7:92,201,411, T duplicated on the plus strand (A on the coding strand, the reverse complement: KRIT1 is on the minus strand). VCF-style (leftmost placement, unchanged base first): chr7-92201410-C-CT. GRCh37 (hg19) VCF-style: chr7-91830724-C-CT.
Other names: c.1894dup, p.Ser632fs (NM_001013406.2, NM_001350669.1, NM_001350670.1); c.1324dup, p.Ser442fs (NM_001350671.1); c.2038dup, p.Ser680fs (NM_001350672.1, NM_001350673.1, NM_001350674.1 and 26 more transcripts); short protein forms S632fs, S680fs, S442fs.
Identifiers: ClinVar variation 2865469 (VCV002865469.3), dbSNP rs2535518473, ClinGen allele CA2739266540.